The following is an entry in ClinVar:

ClinVar aggregate classification (germline): Likely benign (1 of 4 stars; one submission).

Submission:

GeneDx
Classification: Likely benign. Last evaluated: 2017-02-17. Review status: criteria provided, single submitter. Criteria: GeneDx Variant Classification (06012015). Collection method: clinical testing. Allele origin: germline. Affected: yes.
Comment: This variant is considered likely benign or benign based on one or more of the following criteria: it is a conservative change, it occurs at a poorly conserved position in the protein, it is predicted to be benign by multiple in silico algorithms, and/or has population frequency not consistent with disease.

NM_001191061.2(SLC25A22):c.-163-5_-163-4delinsCT

Gene: SLC25A22 (solute carrier family 25 member 22; minus strand). Cytogenetic location: 11p15.5.
Variant type: Indel.
Coding change: c.-163-5_-163-4delinsCT on transcript NM_001191061.2 (MANE Select); 5 bases into the intron before 163 bases upstream of the start codon through 4 bases into the intron before 163 bases upstream of the start codon, TC replaced by CT.
Molecular consequence: intron variant.
Genome position (GRCh38, 1-based): chr11:795,173-795,174, GA replaced by AG on the plus strand (TC replaced by CT on the coding strand, the reverse complement: SLC25A22 is on the minus strand). VCF-style: chr11-795173-GA-AG. GRCh37 (hg19) VCF-style: chr11-795173-GA-AG.
Other names: c.-163-5_-163-4delinsCT (NM_001191060.2, NM_024698.6).
Identifiers: ClinVar variation 507048 (VCV000507048.1), dbSNP rs1554966284, ClinGen allele CA658797563.